The following is an entry in ClinVar:

ClinVar aggregate classification (germline): Uncertain significance (1 of 4 stars; one submission).

Allele frequency attached by ClinVar (database versions not stated): gnomAD 0.00005 and 0.00006; TOPMed 0.00012.
gnomAD v4.1: 11 of 1,433,800 alleles (0.00077%); highest among the groups gnomAD compares: African/African-American, 0.015%; no homozygotes.

Submission:

Labcorp Genetics (formerly Invitae), Labcorp
Classification: Uncertain significance. Last evaluated: 2021-09-10. Review status: criteria provided, single submitter. Criteria: Invitae Variant Classification Sherloc (09022015). Collection method: clinical testing. Allele origin: germline.
Comment: This sequence change replaces glutamic acid with lysine at codon 390 of the SAMD11 protein (p.Glu390Lys). The glutamic acid residue is highly conserved and there is a small physicochemical difference between glutamic acid and lysine. The frequency data for this variant in the population databases is considered unreliable, as metrics indicate insufficient coverage at this position in the ExAC database. This variant has not been reported in the literature in individuals affected with SAMD11-related conditions. Algorithms developed to predict the effect of missense changes on protein structure and function are either unavailable or do not agree on the potential impact of this missense change (SIFT: "Deleterious"; PolyPhen-2: "Benign"; Align-GVGD: "Class C15"). In summary, the available evidence is currently insufficient to determine the role of this variant in disease. Therefore, it has been classified as a Variant of Uncertain Significance.

NM_001385641.1(SAMD11):c.1657G>A (p.Glu553Lys)

Gene: SAMD11 (sterile alpha motif domain containing 11; plus strand). Cytogenetic location: 1p36.33.
Variant type: single nucleotide variant.
Coding change: c.1657G>A on transcript NM_001385641.1 (MANE Select); coding-DNA position 1657, G replaced by A.
Protein change: p.Glu553Lys; replaces glutamic acid 553 with lysine.
Molecular consequence: missense variant.
Genome position (GRCh38, 1-based): chr1:942,662, G>A. VCF-style: chr1-942662-G-A. GRCh37 (hg19) VCF-style: chr1-878042-G-A.
Other names: c.1660G>A, p.Glu554Lys (NM_001385640.1); c.1168G>A, p.Glu390Lys (NM_152486.4); short protein forms E390K, E554K, E553K.
Identifiers: ClinVar variation 1517319 (VCV001517319.3), dbSNP rs930359981, ClinGen allele CA16724881.